The following is an entry in ClinVar:

NM_002473.6(MYH9):c.4136G>A (p.Cys1379Tyr)

Gene: MYH9 (myosin heavy chain 9; minus strand). Cytogenetic location: 22q12.3.
Variant type: single nucleotide variant.
Coding change: c.4136G>A on transcript NM_002473.6 (MANE Select); coding-DNA position 4136, G replaced by A.
Protein change: p.Cys1379Tyr; replaces cysteine 1379 with tyrosine.
Molecular consequence: missense variant.
Genome position (GRCh38, 1-based): chr22:36,292,194, C>T on the plus strand (G>A on the coding strand, the complement: MYH9 is on the minus strand). VCF-style: chr22-36292194-C-T. GRCh37 (hg19) VCF-style: chr22-36688240-C-T.
Other names: short protein forms C1379Y.
Identifiers: ClinVar variation 2672906 (VCV002672906.23), dbSNP rs768412470, ClinGen allele CA10209445.

ClinVar aggregate classification (germline): Likely benign (1 of 4 stars; one submission).

Allele frequency attached by ClinVar (database versions not stated): gnomAD 0.00001; gnomAD exomes 0.00001; ExAC 0.00002.
gnomAD v4.1: 4 of 1,613,986 alleles (0.00025%); highest among the groups gnomAD compares: East Asian, 0.0067%; no homozygotes.

Submission:

CeGaT Center for Human Genetics Tuebingen
Classification: Likely benign. Last evaluated: 2023-11-01. Review status: criteria provided, single submitter. Criteria: CeGaT Center For Human Genetics Tuebingen Variant Classification Criteria Version 2. Collection method: clinical testing. Allele origin: germline. Affected: yes. Observed: 1 variant allele.
Comment: MYH9: BP4, BS2